The following is an entry in ClinVar:

ClinVar aggregate classification (germline): Uncertain significance. Review status: criteria provided, single submitter (1 of 4 stars). 2 submissions from 2 submitters: Uncertain significance (1). 1 of the submissions does not count toward it. Last evaluated 2018-04-20.

Conditions:
Acute infantile liver failure due to synthesis defect of mtDNA-encoded proteins. Also called: LIVER FAILURE, INFANTILE, TRANSIENT; TRMU Deficiency; Liver failure acute infantile. Identifiers: Orphanet 217371, MedGen C3278664, MONDO:0013111, OMIM 613070.

Allele frequency attached by ClinVar (database versions not stated): gnomAD exomes below 0.00001 and 0.00001; gnomAD 0.00001; TOPMed 0.00001.
gnomAD v4.1: 10 of 1,613,908 alleles (0.00062%); highest among the groups gnomAD compares: Non-Finnish European, 0.00085%; no homozygotes.

Submissions (2):

ARUP Laboratories, Molecular Genetics and Genomics, ARUP Laboratories
Classification: Uncertain significance. Last evaluated: 2018-04-20. Review status: criteria provided, single submitter. Criteria: ARUP Molecular Germline Variant Investigation Process. Collection method: clinical testing. Allele origin: germline.
Comment: The TRMU c.814G>A; p.Gly272Ser variant, to our knowledge, is not reported in the medical literature, gene specific variation databases, nor has it been previously identified by our laboratory; however, another variant affecting this amino acid, Gly272Asp, has been linked in one patient to an increased risk of infantile liver failure (Zeharia 2009). This variant is listed in the genome Aggregation Database (gnomAD) with an overall population frequency of 0.0007% (identified on 2 out of 277,196 chromosomes). The glycine at position 272 is moderately conserved, considering 12 species, and computational analyses of the effects of the p.Gly272Ser variant on protein structure and function make conflicting predictions (SIFT: tolerated, PolyPhen-2: possibly damaging). Based on the available information, the clinical significance of the p.Gly272Ser variant cannot be determined with certainty.

Natera, Inc.
Classification: Uncertain significance for Acute infantile liver failure due to synthesis defect of mtDNA-encoded proteins. Last evaluated: 2021-10-04. Review status: no assertion criteria provided. Collection method: clinical testing. Allele origin: germline. Not counted in ClinVar's aggregate classification.

NM_018006.5(TRMU):c.814G>A (p.Gly272Ser)

Gene: TRMU (tRNA mitochondrial 2-thiouridylase; plus strand). Cytogenetic location: 22q13.31.
Variant type: single nucleotide variant.
Coding change: c.814G>A on transcript NM_018006.5 (MANE Select); coding-DNA position 814, G replaced by A.
Protein change: p.Gly272Ser; replaces glycine 272 with serine.
Molecular consequence: missense variant. On other transcripts: non-coding transcript variant (2).
Genome position (GRCh38, 1-based): chr22:46,353,808, G>A. VCF-style: chr22-46353808-G-A. GRCh37 (hg19) VCF-style: chr22-46749705-G-A.
Other names: c.472G>A, p.Gly158Ser (NM_001282782.2); c.394G>A, p.Gly132Ser (NM_001282783.2, NM_001282784.2); c.814G>A, p.Gly272Ser (NM_001282785.2); short protein forms G272S, G132S, G158S.
Identifiers: ClinVar variation 618447 (VCV000618447.9), dbSNP rs1230867178, ClinGen allele CA411947205.